The following is an entry in ClinVar:

ClinVar aggregate classification (germline): Uncertain significance (1 of 4 stars; one submission).

Conditions:
Immunodeficiency 39 (IMD39). Identifiers: Orphanet 574918, MedGen C4225358, MONDO:0014597, OMIM 616345.

Submission:

Labcorp Genetics (formerly Invitae), Labcorp
Classification: Uncertain significance for Immunodeficiency 39. Last evaluated: 2024-06-17. Review status: criteria provided, single submitter. Criteria: Invitae Variant Classification Sherloc (09022015). Collection method: clinical testing. Allele origin: germline.
Comment: This sequence change replaces valine, which is neutral and non-polar, with leucine, which is neutral and non-polar, at codon 317 of the IRF7 protein (p.Val317Leu). This variant is not present in population databases (gnomAD no frequency). This variant has not been reported in the literature in individuals affected with IRF7-related conditions. Advanced modeling of protein sequence and biophysical properties (such as structural, functional, and spatial information, amino acid conservation, physicochemical variation, residue mobility, and thermodynamic stability) performed at Invitae indicates that this missense variant is not expected to disrupt IRF7 protein function with a negative predictive value of 80%. In summary, the available evidence is currently insufficient to determine the role of this variant in disease. Therefore, it has been classified as a Variant of Uncertain Significance.

NM_001572.5(IRF7):c.910G>T (p.Val304Leu)

Gene: IRF7 (interferon regulatory factor 7; minus strand). Cytogenetic location: 11p15.5.
Variant type: single nucleotide variant.
Coding change: c.910G>T on transcript NM_001572.5 (MANE Select); coding-DNA position 910, G replaced by T.
Protein change: p.Val304Leu; replaces valine 304 with leucine.
Molecular consequence: missense variant.
Genome position (GRCh38, 1-based): chr11:613,533, C>A on the plus strand (G>T on the coding strand, the complement: IRF7 is on the minus strand). VCF-style: chr11-613533-C-A. GRCh37 (hg19) VCF-style: chr11-613533-C-A.
Other names: c.823G>T, p.Val275Leu (NM_004029.4); c.949G>T, p.Val317Leu (NM_004031.4); short protein forms V275L, V304L, V317L.
Identifiers: ClinVar variation 3671044 (VCV003671044.2).
Genomic context (GRCh38, chr11:613,533, plus strand): 5'-TGGCCCGGACAGCTGGGTCTGGGGGGCCGTATAGGAACGTGCAGCTCGGGTGTCCCACCA[C>A]CTTCTGCAGCACCGTGCGGCCCTTGTACATGATGGTCACGTCCAGCGCCCCTGGGCTGGG-3'
Protein context (NP_001563.2, residues 294-314): MYKGRTVLQK[Val304Leu]VGHPSCTFLY